The following is an entry in ClinVar:

ClinVar aggregate classification (germline): Uncertain significance. Review status: criteria provided, multiple submitters, no conflicts (2 of 4 stars). 5 submissions from 5 submitters: Uncertain significance (4). 1 of the submissions does not count toward it. Last evaluated 2024-08-23.

Conditions:
Glycogen storage disease type III (GSD3). Also called: Cori disease; FORBES DISEASE. Identifiers: Orphanet 366, MedGen C0017922, MONDO:0009291, OMIM 232400.

Allele frequency attached by ClinVar (database versions not stated): ExAC 0.00001; gnomAD 0.00002; TOPMed 0.00002.
gnomAD v4.1: 13 of 1,613,338 alleles (0.00081%); highest among the groups gnomAD compares: Non-Finnish European, 0.0011%; no homozygotes.

Submissions (5):

GeneDx
Classification: Uncertain significance. Last evaluated: 2024-08-23. Review status: criteria provided, single submitter. Criteria: GeneDx Variant Classification Process June 2021. Collection method: clinical testing. Allele origin: germline. Affected: yes.
Comment: Not observed at significant frequency in large population cohorts (gnomAD); In silico analysis indicates that this missense variant does not alter protein structure/function; Has not been previously published as pathogenic or benign to our knowledge

Genome-Nilou Lab
Classification: Uncertain significance for Glycogen storage disease type III. Last evaluated: 2023-04-11. Review status: criteria provided, single submitter. Criteria: ACMG Guidelines, 2015. Collection method: clinical testing. Allele origin: germline. Affected: no.

Labcorp Genetics (formerly Invitae), Labcorp
Classification: Uncertain significance for Glycogen storage disease type III. Last evaluated: 2022-05-28. Review status: criteria provided, single submitter. Criteria: Invitae Variant Classification Sherloc (09022015). Collection method: clinical testing. Allele origin: germline.
Comment: This sequence change replaces isoleucine, which is neutral and non-polar, with valine, which is neutral and non-polar, at codon 577 of the AGL protein (p.Ile577Val). This variant is present in population databases (rs762529905, gnomAD 0.002%). This variant has not been reported in the literature in individuals affected with AGL-related conditions. ClinVar contains an entry for this variant (Variation ID: 639547). Algorithms developed to predict the effect of missense changes on protein structure and function are either unavailable or do not agree on the potential impact of this missense change (SIFT: "Deleterious"; PolyPhen-2: "Possibly Damaging"; Align-GVGD: "Class C0"). Algorithms developed to predict the effect of sequence changes on RNA splicing suggest that this variant may create or strengthen a splice site. In summary, the available evidence is currently insufficient to determine the role of this variant in disease. Therefore, it has been classified as a Variant of Uncertain Significance.

Fulgent Genetics
Classification: Uncertain significance for Glycogen storage disease type III. Last evaluated: 2021-12-07. Review status: criteria provided, single submitter. Criteria: ACMG Guidelines, 2015. Collection method: clinical testing. Allele origin: unknown.

Natera, Inc.
Classification: Uncertain significance for Glycogen storage disease type III. Last evaluated: 2020-10-07. Review status: no assertion criteria provided. Collection method: clinical testing. Allele origin: germline. Not counted in ClinVar's aggregate classification.

NM_000642.3(AGL):c.1729A>G (p.Ile577Val)

Gene: AGL (amylo-alpha-1,6-glucosidase and 4-alpha-glucanotransferase; plus strand). Cytogenetic location: 1p21.2.
Variant type: single nucleotide variant.
Coding change: c.1729A>G on transcript NM_000642.3 (MANE Select); coding-DNA position 1729, A replaced by G.
Protein change: p.Ile577Val; replaces isoleucine 577 with valine.
Molecular consequence: missense variant.
Genome position (GRCh38, 1-based): chr1:99,880,040, A>G. VCF-style: chr1-99880040-A-G. GRCh37 (hg19) VCF-style: chr1-100345596-A-G.
Other names: c.1729A>G, p.Ile577Val (NM_000028.3, NM_000643.3, NM_000644.3 and 2 more transcripts); c.1681A>G, p.Ile561Val (NM_000646.3); c.1528A>G, p.Ile510Val (NM_001425327.1); c.1525A>G, p.Ile509Val (NM_001425328.1, NM_001425329.1); c.1351A>G, p.Ile451Val (NM_001425332.1); c.1729A>G (NM_000642.2); short protein forms I561V, I577V, I451V, I509V, I510V.
Identifiers: ClinVar variation 639547 (VCV000639547.10), dbSNP rs762529905, ClinGen allele CA966568.
Genomic context (GRCh38, chr1:99,880,040, plus strand): 5'-TTCACAGGAAGTGAAGATCTGGACAATGTCTTTGTTACTAGACTGGGCATTAGTTCCTTA[A>G]TAAGAGGTAGGCTTGTTGGAGTGTATTTCCCTCTAAAACTTTAGCTTTTGTTTAAGTAGA-3'
Protein context (NP_000633.2, residues 567-587): FVTRLGISSL[Ile577Val]REAMSAYNSH